The following is an entry in ClinVar:

NM_006231.4(POLE):c.3775C>T (p.Pro1259Ser)

Gene: POLE (DNA polymerase epsilon, catalytic subunit; minus strand). Cytogenetic location: 12q24.33.
Variant type: single nucleotide variant.
Coding change: c.3775C>T on transcript NM_006231.4 (MANE Select); coding-DNA position 3775, C replaced by T.
Protein change: p.Pro1259Ser; replaces proline 1259 with serine.
Molecular consequence: missense variant.
Genome position (GRCh38, 1-based): chr12:132,649,697, G>A on the plus strand (C>T on the coding strand, the complement: POLE is on the minus strand). VCF-style: chr12-132649697-G-A. GRCh37 (hg19) VCF-style: chr12-133226283-G-A.
Other names: short protein forms P1259S.
Identifiers: ClinVar variation 1707865 (VCV001707865.8), dbSNP rs2541953321, ClinGen allele CA387385976.
Genomic context (GRCh38, chr12:132,649,697, plus strand): 5'-ACCCCTCAGAGACAGACAGTATCACAGCTGTGTGCCTTACCTGGCTGGTTCCCAGGGCGG[G>A]AGGCTGCCCCAAGATTTCCTGCCAGGGCACAGTCGGCGTGAGGTCCTGGGACTCCTCCTG-3'
Protein context (NP_006222.2, residues 1249-1269): VPWQEILGQP[Pro1259Ser]ALGTSQEEWL

ClinVar aggregate classification (germline): Uncertain significance. Review status: criteria provided, multiple submitters, no conflicts (2 of 4 stars). 3 submissions from 3 submitters: Uncertain significance (3). Last evaluated 2025-10-14.

Conditions:
Hereditary cancer-predisposing syndrome. Also called: Tumor predisposition; Neoplastic Syndromes, Hereditary; Hereditary Cancer Syndrome; Hereditary neoplastic syndrome. Identifiers: Orphanet 140162, MedGen C0027672, MeSH D009386, MONDO:0015356.

Submissions (3):

Ambry Genetics
Classification: Uncertain significance for Hereditary cancer-predisposing syndrome. Last evaluated: 2025-10-14. Review status: criteria provided, single submitter. Criteria: Ambry Variant Classification Scheme 2023. Collection method: clinical testing. Allele origin: germline.
Comment: The p.P1259S variant (also known as c.3775C>T), located in coding exon 30 of the POLE gene, results from a C to T substitution at nucleotide position 3775. The proline at codon 1259 is replaced by serine, an amino acid with similar properties. This amino acid position is highly conserved in available vertebrate species. In addition, the in silico prediction for this alteration is inconclusive. Based on the available evidence, the clinical significance of this variant remains unclear.

Labcorp Genetics (formerly Invitae), Labcorp
Classification: Uncertain significance. Last evaluated: 2023-10-15. Review status: criteria provided, single submitter. Criteria: Invitae Variant Classification Sherloc (09022015). Collection method: clinical testing. Allele origin: germline.
Comment: This sequence change replaces proline, which is neutral and non-polar, with serine, which is neutral and polar, at codon 1259 of the POLE protein (p.Pro1259Ser). This variant is not present in population databases (gnomAD no frequency). This variant has not been reported in the literature in individuals affected with POLE-related conditions. ClinVar contains an entry for this variant (Variation ID: 1707865). Advanced modeling of protein sequence and biophysical properties (such as structural, functional, and spatial information, amino acid conservation, physicochemical variation, residue mobility, and thermodynamic stability) performed at Invitae indicates that this missense variant is not expected to disrupt POLE protein function. In summary, the available evidence is currently insufficient to determine the role of this variant in disease. Therefore, it has been classified as a Variant of Uncertain Significance.

GeneDx
Classification: Uncertain significance. Last evaluated: 2022-03-30. Review status: criteria provided, single submitter. Criteria: GeneDx Variant Classification Process June 2021. Collection method: clinical testing. Allele origin: germline. Affected: yes.
Comment: Not observed at significant frequency in large population cohorts (gnomAD); In silico analysis supports that this missense variant has a deleterious effect on protein structure/function; Has not been previously published as pathogenic or benign to our knowledge